The following is an entry in ClinVar:

ClinVar aggregate classification (germline): Likely pathogenic. Review status: criteria provided, multiple submitters, no conflicts (2 of 4 stars). 2 submissions from 2 submitters: Likely pathogenic (2). Last evaluated 2023-10-18.

Conditions:
X-linked Alport syndrome (ATS1). Also called: NEPHROPATHY AND DEAFNESS, X-LINKED; COL4A5-Related Nephropathy. Identifiers: Orphanet 63, Orphanet 88917, MedGen C4746986, MONDO:0010520, OMIM 301050.

Submissions (2):

Foundation for Research in Genetics and Endocrinology, FRIGE's Institute of Human Genetics
Classification: Likely pathogenic for X-linked Alport syndrome. Last evaluated: 2023-10-18. Review status: criteria provided, single submitter. Criteria: ACMG Guidelines, 2015. Collection method: clinical testing. Allele origin: germline. Inheritance: X-linked dominant inheritance. Affected: yes. Observed: 1 hemizygote.
Comment: The identified hemizygous nonsense substitution (p.Lys1341Ter) lies in exon 44 of the COL4A5 gene and is predicted to cause premature termination of the protein. The variant c.4021A>T (p.Lys1341Ter) has not been found in 1000 genomes and gnomad databases. The in silico prediction of the variant are probably damaging by LRT and FATHMM-MKL. In summary, the variant meets our criteria to be classified as likely pathogenic.

Myriad Genetics, Inc.
Classification: Likely pathogenic for X-linked Alport syndrome. Last evaluated: 2019-12-23. Review status: criteria provided, single submitter. Criteria: Myriad Women's Health Autosomal Recessive and X-Linked Classification Criteria (2019). Collection method: clinical testing. Allele origin: unknown.
Comment: NM_000495.4(COL4A5):c.4003A>T(K1335*) is expected to be pathogenic in the context of X-linked Alport syndrome. This variant is predicted to lead to an abnormal or absent protein product due to the creation of a premature termination codon in COL4A5, a gene where loss-of-function variants are known to be pathogenic. Please note: this variant was assessed in the context of healthy population screening.

NM_033380.3(COL4A5):c.4021A>T (p.Lys1341Ter)

Gene: COL4A5 (collagen type IV alpha 5 chain; plus strand). Cytogenetic location: Xq22.3.
Variant type: single nucleotide variant.
Coding change: c.4021A>T on transcript NM_033380.3 (MANE Select); coding-DNA position 4021, A replaced by T.
Protein change: p.Lys1341Ter; replaces lysine 1341 with a stop codon.
Molecular consequence: nonsense.
Genome position (GRCh38, 1-based): chrX:108,680,890, A>T. VCF-style: chrX-108680890-A-T. GRCh37 (hg19) VCF-style: chrX-107924120-A-T.
Other names: p.Lys1341Ter; c.4003A>T, p.Lys1335Ter (NM_000495.5); short protein forms K1335*, K1341*.
Identifiers: ClinVar variation 984065 (VCV000984065.5), dbSNP rs2068413590, ClinGen allele CA413851103.
Genomic context (GRCh38, chrX:108,680,890, plus strand): 5'-GTAAAGGTTGTAGCCCTGTTGCTTTGCCATAAAACTGTATGTACCTTCTGTGCAGGCATG[A>T]AAGGACCCAGTGGAGTACCTGGATCAGCTGGCCCTGAGGGGGAACCGGGACTTATTGGTC-3'